The following is an entry in ClinVar:

NM_000373.4(UMPS):c.1267G>A (p.Ala423Thr)

Gene: UMPS (uridine monophosphate synthetase; plus strand). Cytogenetic location: 3q21.2.
Variant type: single nucleotide variant.
Coding change: c.1267G>A on transcript NM_000373.4 (MANE Select); coding-DNA position 1267, G replaced by A.
Protein change: p.Ala423Thr; replaces alanine 423 with threonine.
Molecular consequence: missense variant. On other transcripts: non-coding transcript variant (2).
Genome position (GRCh38, 1-based): chr3:124,742,260, G>A. VCF-style: chr3-124742260-G-A. GRCh37 (hg19) VCF-style: chr3-124461107-G-A.
Other names: short protein forms A423T.
Identifiers: ClinVar variation 4885465 (VCV004885465.2).

ClinVar aggregate classification (germline): Uncertain significance (1 of 4 stars; one submission).

gnomAD v4.1: 5 of 1,613,156 alleles (0.00031%); highest among the groups gnomAD compares: Non-Finnish European, 0.00042%; no homozygotes.

Submission:

Dasa
Classification: Uncertain significance. Last evaluated: 2025-01-22. Review status: criteria provided, single submitter. Criteria: DASA Assertion Criteria. Collection method: clinical testing. Allele origin: germline.
Comment: NM_000373.4(UMPS):c.1267G>A (p.Ala423Thr) is a missense variant that results in the substitution of alanine with threonine. This variant is rare in population databases. Computational prediction algorithms are consistent with a benign effect. The currently available literature and clinical evidence are not sufficient to establish a definitive association between this variant and the reported condition. Therefore, this variant is classified as a variant of uncertain significance.